The following is an entry in ClinVar:

ClinVar aggregate classification (germline): Uncertain significance (1 of 4 stars; one submission).

Conditions:
Intellectual disability, X-linked 102 (MRXSSB). Also called: Intellectual developmental disorder, X-linked syndromic, Snijders Blok type. Identifiers: Orphanet 457260, MedGen C5393299, MONDO:0010497, OMIM 300958.

Submission:

MVZ Medizinische Genetik Mainz
Classification: Uncertain significance for Intellectual disability, X-linked 102. Last evaluated: 2026-02-04. Review status: criteria provided, single submitter. Criteria: UK Practice Guidelines For Variant Classification V4 01 2020. Collection method: clinical testing. Allele origin: germline. Inheritance: X-linked dominant inheritance. Affected: yes. Observed: 1 variant allele.
Comment: ACMG Criteria: PM1_SUP,PM2_SUP,PP2

NM_001356.5(DDX3X):c.1056G>A (p.Met352Ile)

Gene: DDX3X (DEAD-box helicase 3 X-linked; plus strand). Cytogenetic location: Xp11.4.
Variant type: single nucleotide variant.
Coding change: c.1056G>A on transcript NM_001356.5 (MANE Select); coding-DNA position 1056, G replaced by A.
Protein change: p.Met352Ile; replaces methionine 352 with isoleucine.
Molecular consequence: missense variant. On other transcripts: non-coding transcript variant (1).
Genome position (GRCh38, 1-based): chrX:41,345,210, G>A. VCF-style: chrX-41345210-G-A. GRCh37 (hg19) VCF-style: chrX-41204463-G-A.
Other names: c.1056G>A, p.Met352Ile (NM_001193416.3); c.1008G>A, p.Met336Ile (NM_001193417.3); c.498G>A, p.Met166Ile (NM_001363819.1); short protein forms M166I, M336I, M352I.
Identifiers: ClinVar variation 4796779 (VCV004796779.1).